The following is an entry in ClinVar:

NM_001089.3(ABCA3):c.4547+3G>A

Gene: ABCA3 (ATP binding cassette subfamily A member 3; minus strand). Cytogenetic location: 16p13.3.
Variant type: single nucleotide variant.
Coding change: c.4547+3G>A on transcript NM_001089.3 (MANE Select); 3 bases into the intron after coding-DNA position 4547, G replaced by A.
Molecular consequence: intron variant.
Genome position (GRCh38, 1-based): chr16:2,278,940, C>T on the plus strand (G>A on the coding strand, the complement: ABCA3 is on the minus strand). VCF-style: chr16-2278940-C-T. GRCh37 (hg19) VCF-style: chr16-2328941-C-T.
Other names: c.4547+3G>A (NM_001089.2).
Identifiers: ClinVar variation 932916 (VCV000932916.3), dbSNP rs371055273, ClinGen allele CA7840091.

ClinVar aggregate classification (germline): Likely benign. Review status: criteria provided, multiple submitters, no conflicts (2 of 4 stars). 3 submissions from 3 submitters: Likely benign (3). Last evaluated 2025-04-07.

Conditions:
ABCA3-related disorder. Also called: ABCA3-related condition.
Interstitial lung disease due to ABCA3 deficiency. Also called: PULMONARY ALVEOLAR PROTEINOSIS, CONGENITAL, 3. Identifiers: Orphanet 440402, MedGen C1970456, MONDO:0012582, OMIM 610921.

Allele frequency attached by ClinVar (database versions not stated): gnomAD exomes 0.00004 and 0.00011; ExAC 0.00015; TOPMed 0.00030; gnomAD 0.00046 and 0.00048; ESP Exome Variant Server 0.00054; 1000 Genomes Project 0.00080; 1000 Genomes Project 30x 0.00109.
gnomAD v4.1: 129 of 1,613,482 alleles (0.008%); highest among the groups gnomAD compares: African/African-American, 0.16%; no homozygotes.

Submissions (3):

PreventionGenetics, part of Exact Sciences
Classification: Likely benign for ABCA3-related condition. Last evaluated: 2025-04-07. Review status: criteria provided, single submitter. Criteria: ACMG Guidelines, 2015. Collection method: clinical testing. Allele origin: germline.
Comment: This variant is classified as likely benign based on ACMG/AMP sequence variant interpretation guidelines (Richards et al. 2015 PMID: 25741868, with internal and published modifications).

Blueprint Genetics
Classification: Likely benign. Last evaluated: 2024-02-12. Review status: criteria provided, single submitter. Criteria: ACMG Guidelines, 2015. Collection method: clinical testing. Allele origin: germline.

Johns Hopkins Genomics, Johns Hopkins University
Classification: Likely benign for Interstitial lung disease due to ABCA3 deficiency. Last evaluated: 2020-01-10. Review status: criteria provided, single submitter. Criteria: ACMG Guidelines, 2015. Collection method: clinical testing. Allele origin: germline.